The following is an entry in ClinVar:

ClinVar aggregate classification (germline): Uncertain significance (1 of 4 stars; one submission).

gnomAD v4.1: 16 of 1,614,204 alleles (0.00099%); highest among the groups gnomAD compares: African/African-American, 0.0093%; no homozygotes.

Submission:

GeneDx
Classification: Uncertain significance. Last evaluated: 2024-10-31. Review status: criteria provided, single submitter. Criteria: GeneDx Variant Classification Process June 2021. Collection method: clinical testing. Allele origin: germline. Affected: yes.
Comment: Not observed at significant frequency in large population cohorts (gnomAD); In silico analysis supports that this missense variant has a deleterious effect on protein structure/function; Has not been previously published as pathogenic or benign to our knowledge

NM_020964.3(EPG5):c.1193A>G (p.Tyr398Cys)

Gene: EPG5 (ectopic P-granules 5 autophagy tethering factor; minus strand). Cytogenetic location: 18q21.1.
Variant type: single nucleotide variant.
Coding change: c.1193A>G on transcript NM_020964.3 (MANE Select); coding-DNA position 1193, A replaced by G.
Protein change: p.Tyr398Cys; replaces tyrosine 398 with cysteine.
Molecular consequence: missense variant.
Genome position (GRCh38, 1-based): chr18:45,952,459, T>C on the plus strand (A>G on the coding strand, the complement: EPG5 is on the minus strand). VCF-style: chr18-45952459-T-C. GRCh37 (hg19) VCF-style: chr18-43532425-T-C.
Other names: c.1193A>G, p.Tyr398Cys (NM_001410858.1, NM_001410859.1); short protein forms Y398C.
Identifiers: ClinVar variation 3897507 (VCV003897507.1).